The following is an entry in ClinVar:

NM_005629.4(SLC6A8):c.1483G>A (p.Ala495Thr)

Gene: SLC6A8 (solute carrier family 6 member 8; plus strand). Cytogenetic location: Xq28.
Variant type: single nucleotide variant.
Coding change: c.1483G>A on transcript NM_005629.4 (MANE Select); coding-DNA position 1483, G replaced by A.
Protein change: p.Ala495Thr; replaces alanine 495 with threonine.
Molecular consequence: missense variant.
Genome position (GRCh38, 1-based): chrX:153,694,434, G>A. VCF-style: chrX-153694434-G-A. GRCh37 (hg19) VCF-style: chrX-152959889-G-A.
Other names: NM_005629.4(SLC6A8):c.1483G>A; p.Ala495Thr; c.1453G>A, p.Ala485Thr (NM_001142805.2); c.1138G>A, p.Ala380Thr (NM_001142806.1); short protein forms A485T, A380T, A495T.
Identifiers: ClinVar variation 942968 (VCV000942968.12), dbSNP rs1557045503, ClinGen allele CA415087873.

ClinVar aggregate classification (germline): Likely benign. Review status: reviewed by expert panel (3 of 4 stars). 3 submissions from 3 submitters: Likely benign (1). 2 of the submissions do not count toward it. Last evaluated 2025-05-20.

Conditions:
Creatine transporter deficiency (CCDS1). Also called: Creatine Transporter (CRTR) Deficiency; Mental retardation , X-linked with seizures, short stature and midface hypoplasia; Mental retardation , X-linked, with creatine transport deficiency; X-linked creatine transporter deficiency; X-linked creatine deficiency syndrome; SLC6A8-Related Creatine Transporter Deficiency. Identifiers: Orphanet 52503, MedGen C1845862, MONDO:0010305, OMIM 300352.
SLC6A8-related disorder. Also called: SLC6A8-related condition.

Allele frequency attached by ClinVar (database versions not stated): gnomAD exomes 0.00001.
gnomAD v4.1: 7 of 1,207,734 alleles (0.00058%); highest among the groups gnomAD compares: Non-Finnish European, 0.00067%; no homozygotes.

Submissions (3):

ClinGen Cerebral Creatine Deficiency Syndromes Variant Curation Expert Panel, ClinGen
Classification: Likely benign for Creatine transporter deficiency. Last evaluated: 2025-05-20. Review status: reviewed by expert panel. Criteria: ClinGen_CCDS_ACMG_Specifications_SLC6A8_v1.1. Collection method: curation. Allele origin: germline. Inheritance: X-linked inheritance.
Comment: The NM_005629.4:c.1483G>A variant in SLC6A8 is a missense variant predicted to cause the substitution of an alanine by a threonine at amino acid position 495 (p.Ala495Thr). To our knowledge, this variant has not been reported in the literature and no functional studies are available. In gnomAD v4.1.0, the highest population allele frequency is 0.000006729 (6/891685 alleles; 3 hemizygotes); in the European (non-Finnish) population. While this MAF meets the threshold for PM2_Supporting (<0.0002), the criterion is not met due to the presence of hemizygotes. There is a total of 3 hemizygotes in gnomAD v4.1.0., all of them in the European non-Finnish population (BS2). The computational predictor REVEL gives a score of 0.57, which is less than the ClinGen CCDS VCEP’s threshold for PP3 (>0.75) but greater than the ClinGen CCDS VCEP’s threshold for BP4 (<0.2), such that neither of these criteria are met. There is a ClinVar entry for this variant (Variation ID: 942968). Due to the presence of 3 hemizygotes in gnomAD v4.1.0. in the absence of any evidence for pathogenicity, the consensus of the ClinGen CCDS VCEP is to classify this variant as likely benign for creatine transporter deficiency, a severe, pediatric onset neurodevelopmental disorder. SLC6A8-specific ACMG/AMP criteria applied, as specified by the ClinGen CCDS VCEP (Specifications Version 1.1.0): BS2. (Classification approved by the ClinGen Cerebral Creatine Deficiency Syndromes Variant Curation Expert Panel on May 20, 2025)

Labcorp Genetics (formerly Invitae), Labcorp
Classification: Likely benign for Creatine transporter deficiency. Last evaluated: 2024-10-16. Review status: criteria provided, single submitter. Criteria: Invitae Variant Classification Sherloc (09022015). Collection method: clinical testing. Allele origin: germline. Not counted in ClinVar's aggregate classification.

PreventionGenetics, part of Exact Sciences
Classification: Uncertain significance for SLC6A8-related condition. Last evaluated: 2024-01-23. Review status: no assertion criteria provided. Collection method: clinical testing. Allele origin: germline. Not counted in ClinVar's aggregate classification.
Comment: The SLC6A8 c.1483G>A variant is predicted to result in the amino acid substitution p.Ala495Thr. To our knowledge, this variant has not been reported in the literature. This variant is reported in 0.0012% of alleles in individuals of European (Non-Finnish) descent in gnomAD. At this time, the clinical significance of this variant is uncertain due to the absence of conclusive functional and genetic evidence.